The following is an entry in ClinVar:

ClinVar aggregate classification (germline): Pathogenic (1 of 4 stars; one submission).

Conditions:
Alstrom syndrome (ALMS). Identifiers: Orphanet 64, MedGen C0268425, MONDO:0008763, OMIM 203800.

Allele frequency attached by ClinVar (database versions not stated): TOPMed 0.00001.

Submission:

Labcorp Genetics (formerly Invitae), Labcorp
Classification: Pathogenic for Alstrom syndrome. Last evaluated: 2022-12-31. Review status: criteria provided, single submitter. Criteria: Invitae Variant Classification Sherloc (09022015). Collection method: clinical testing. Allele origin: germline.
Comment: For these reasons, this variant has been classified as Pathogenic. This variant has not been reported in the literature in individuals affected with ALMS1-related conditions. This variant is not present in population databases (gnomAD no frequency). This sequence change creates a premature translational stop signal (p.Ile916Asnfs*15) in the ALMS1 gene. It is expected to result in an absent or disrupted protein product. Loss-of-function variants in ALMS1 are known to be pathogenic (PMID: 17594715).

Literature cited by the submitters: PubMed 17594715.

NM_001378454.1(ALMS1):c.2743dup (p.Ile915fs)

Gene: ALMS1 (ALMS1 centrosome and basal body associated protein; plus strand). Cytogenetic location: 2p13.1.
Variant type: Duplication.
Coding change: c.2743dup on transcript NM_001378454.1 (MANE Select); coding-DNA position 2743, one base duplicated (A; older notation c.2743dupA).
Protein change: p.Ile915fs; shifts the reading frame from isoleucine 915.
Molecular consequence: frameshift variant.
Genome position (GRCh38, 1-based): chr2:73,449,270, A duplicated. VCF-style (leftmost placement, unchanged base first): chr2-73449269-C-CA. GRCh37 (hg19) VCF-style: chr2-73676396-C-CA.
Other names: c.2746dup, p.Ile916fs (NM_015120.4); short protein forms I915fs, I916fs.
Identifiers: ClinVar variation 2985739 (VCV002985739.3), dbSNP rs1671876471, ClinGen allele CA1260958555.
Genomic context (GRCh38, chr2:73,449,269, plus strand): 5'-TGATCAGAAGACTGGGATACCCTCAGCACCATCTAGTTTCTACTCACACAGAGAGAAGCC[C>CA]ATTATTTTTTCCCAGCAGACCCTGCCAGACTTTCTTTTCCCTGAAGAAGCTCTGAAGGTT-3'